The following is an entry in ClinVar:

ClinVar aggregate classification (germline): Uncertain significance. Review status: criteria provided, multiple submitters, no conflicts (2 of 4 stars). 2 submissions from 2 submitters: Uncertain significance (2). Last evaluated 2025-01-06.

Conditions:
Glycogen storage disease, type II (IOPD). Also called: POMPE DISEASE, INFANTILE-ONSET; GLYCOGEN STORAGE DISEASE II, INFANTILE-ONSET; ACID ALPHA-GLUCOSIDASE DEFICIENCY, INFANTILE-ONSET; GAA DEFICIENCY, INFANTILE-ONSET; ACID MALTASE DEFICIENCY, INFANTILE-ONSET; CARDIOMEGALIA GLYCOGENICA DIFFUSA. Identifiers: Orphanet 365, MedGen C0017921, MONDO:0009290, OMIM 232300.

Allele frequency attached by ClinVar (database versions not stated): gnomAD exomes below 0.00001.

Submissions (2):

Women's Health and Genetics/Laboratory Corporation of America, LabCorp
Classification: Uncertain significance. Last evaluated: 2025-01-06. Review status: criteria provided, single submitter. Criteria: LabCorp Variant Classification Summary - May 2015. Collection method: clinical testing. Allele origin: germline.

Labcorp Genetics (formerly Invitae), Labcorp
Classification: Uncertain significance for Glycogen storage disease, type II. Last evaluated: 2021-12-31. Review status: criteria provided, single submitter. Criteria: Invitae Variant Classification Sherloc (09022015). Collection method: clinical testing. Allele origin: germline.
Comment: This sequence change replaces proline, which is neutral and non-polar, with leucine, which is neutral and non-polar, at codon 511 of the GAA protein (p.Pro511Leu). This variant is not present in population databases (gnomAD no frequency). This variant has not been reported in the literature in individuals affected with GAA-related conditions. Advanced modeling of protein sequence and biophysical properties (such as structural, functional, and spatial information, amino acid conservation, physicochemical variation, residue mobility, and thermodynamic stability) performed at Invitae indicates that this missense variant is expected to disrupt GAA protein function. In summary, the available evidence is currently insufficient to determine the role of this variant in disease. Therefore, it has been classified as a Variant of Uncertain Significance.

NM_000152.5(GAA):c.1532C>T (p.Pro511Leu)

Gene: GAA (alpha glucosidase; plus strand). Cytogenetic location: 17q25.3.
Variant type: single nucleotide variant.
Coding change: c.1532C>T on transcript NM_000152.5 (MANE Select); coding-DNA position 1532, C replaced by T.
Protein change: p.Pro511Leu; replaces proline 511 with leucine.
Molecular consequence: missense variant.
Genome position (GRCh38, 1-based): chr17:80,110,821, C>T. VCF-style: chr17-80110821-C-T. GRCh37 (hg19) VCF-style: chr17-78084620-C-T.
Other names: c.1532C>T, p.Pro511Leu (NM_001079803.3, NM_001079804.3, NM_001406741.1 and 1 more transcripts); short protein forms P511L.
Identifiers: ClinVar variation 1943751 (VCV001943751.4), dbSNP rs866592332, ClinGen allele CA294894906.
Genomic context (GRCh38, chr17:80,110,821, plus strand): 5'-CCAACCCCACAGCCCTGGCCTGGTGGGAGGACATGGTGGCTGAGTTCCATGACCAGGTGC[C>T]CTTCGACGGCATGTGGATTGTAAGTGTGGCCCCCTCCTGAGCATCCCCAAGGCCTCTGGG-3'
Protein context (NP_000143.2, residues 501-521): DMVAEFHDQV[Pro511Leu]FDGMWIDMNE